The following is an entry in ClinVar:

ClinVar aggregate classification (germline): Uncertain significance (1 of 4 stars; one submission).

Conditions:
Vici syndrome (VICIS). Identifiers: Orphanet 1493, MedGen C1855772, MONDO:0009452, OMIM 242840.

Allele frequency attached by ClinVar (database versions not stated): gnomAD exomes below 0.00001; TOPMed below 0.00001.
gnomAD v4.1: 3 of 1,613,686 alleles (0.00019%); highest among the groups gnomAD compares: Non-Finnish European, 0.00017%; no homozygotes.

Submission:

Labcorp Genetics (formerly Invitae), Labcorp
Classification: Uncertain significance for Vici syndrome. Last evaluated: 2022-08-07. Review status: criteria provided, single submitter. Criteria: Invitae Variant Classification Sherloc (09022015). Collection method: clinical testing. Allele origin: germline.
Comment: This sequence change replaces leucine, which is neutral and non-polar, with valine, which is neutral and non-polar, at codon 570 of the EPG5 protein (p.Leu570Val). This variant is not present in population databases (gnomAD no frequency). This variant has not been reported in the literature in individuals affected with EPG5-related conditions. Algorithms developed to predict the effect of missense changes on protein structure and function are either unavailable or do not agree on the potential impact of this missense change (SIFT: "Deleterious"; PolyPhen-2: "Probably Damaging"; Align-GVGD: "Class C0"). In summary, the available evidence is currently insufficient to determine the role of this variant in disease. Therefore, it has been classified as a Variant of Uncertain Significance.

NM_020964.3(EPG5):c.1708C>G (p.Leu570Val)

Gene: EPG5 (ectopic P-granules 5 autophagy tethering factor; minus strand). Cytogenetic location: 18q21.1.
Variant type: single nucleotide variant.
Coding change: c.1708C>G on transcript NM_020964.3 (MANE Select); coding-DNA position 1708, C replaced by G.
Protein change: p.Leu570Val; replaces leucine 570 with valine.
Molecular consequence: missense variant.
Genome position (GRCh38, 1-based): chr18:45,944,089, G>C on the plus strand (C>G on the coding strand, the complement: EPG5 is on the minus strand). VCF-style: chr18-45944089-G-C. GRCh37 (hg19) VCF-style: chr18-43524055-G-C.
Other names: c.1708C>G, p.Leu570Val (NM_001410858.1, NM_001410859.1); short protein forms L570V.
Identifiers: ClinVar variation 1897745 (VCV001897745.2), dbSNP rs1033731897, ClinGen allele CA299784855.